The following is an entry in ClinVar:

ClinVar aggregate classification (germline): Uncertain significance. Review status: criteria provided, multiple submitters, no conflicts (2 of 4 stars). 2 submissions from 2 submitters: Uncertain significance (2). Last evaluated 2025-07-18.

Submissions (2):

Women's Health and Genetics/Laboratory Corporation of America, LabCorp
Classification: Uncertain significance. Last evaluated: 2025-07-18. Review status: criteria provided, single submitter. Criteria: LabCorp Variant Classification Summary - May 2015. Collection method: clinical testing. Allele origin: germline.

Ambry Genetics
Classification: Uncertain significance. Last evaluated: 2025-02-08. Review status: criteria provided, single submitter. Criteria: Ambry Variant Classification Scheme 2023. Collection method: clinical testing. Allele origin: germline.
Comment: The p.Q282E variant (also known as c.844C>G), located in coding exon 9 of the FAM175A gene, results from a C to G substitution at nucleotide position 844. The glutamine at codon 282 is replaced by glutamic acid, an amino acid with highly similar properties. This amino acid position is conserved. In addition, this alteration is predicted to be tolerated by in silico analysis. Since supporting evidence is limited at this time, the clinical significance of this alteration remains unclear.

NM_139076.3(ABRAXAS1):c.844C>G (p.Gln282Glu)

Gene: ABRAXAS1 (abraxas 1, BRCA1 A complex subunit; minus strand). Cytogenetic location: 4q21.23.
Variant type: single nucleotide variant.
Coding change: c.844C>G on transcript NM_139076.3 (MANE Select); coding-DNA position 844, C replaced by G.
Protein change: p.Gln282Glu; replaces glutamine 282 with glutamic acid.
Molecular consequence: missense variant.
Genome position (GRCh38, 1-based): chr4:83,462,855, G>C on the plus strand (C>G on the coding strand, the complement: ABRAXAS1 is on the minus strand). VCF-style: chr4-83462855-G-C. GRCh37 (hg19) VCF-style: chr4-84384008-G-C.
Other names: c.517C>G, p.Gln173Glu (NM_001345962.2); short protein forms Q173E, Q282E.
Identifiers: ClinVar variation 1800113 (VCV001800113.4), dbSNP rs2529419349, ClinGen allele CA357256609.
Genomic context (GRCh38, chr4:83,462,855, plus strand): 5'-TTAAAGACATAACACATGAATGAAGAAATTCAGAATTTGGAAAAAAGGTCCGTAATGCCT[G>C]ACAAAGAAAAATGTTCTCCTGAGGGTCTTTTTGGATGTTCTTCTCTCCTAAACAAAATAG-3'
Protein context (NP_620775.2, residues 272-292): KDPQENIFLC[Gln282Glu]ALRTFFPNSE